The following is an entry in ClinVar:

NM_053276.4(VIT):c.1031G>T (p.Gly344Val)

Gene: VIT (vitrin; plus strand). Cytogenetic location: 2p22.2.
Variant type: single nucleotide variant.
Coding change: c.1031G>T on transcript NM_053276.4 (MANE Select); coding-DNA position 1031, G replaced by T.
Protein change: p.Gly344Val; replaces glycine 344 with valine.
Molecular consequence: missense variant.
Genome position (GRCh38, 1-based): chr2:36,787,249, G>T. VCF-style: chr2-36787249-G-T. GRCh37 (hg19) VCF-style: chr2-37014392-G-T.
Other names: c.986G>T, p.Gly329Val (NM_001177969.2); c.923G>T, p.Gly308Val (NM_001177970.2); c.920G>T, p.Gly307Val (NM_001177971.2); c.965G>T, p.Gly322Val (NM_001328661.2); c.839G>T, p.Gly280Val (NM_001391966.1, NM_001391967.1); c.794G>T, p.Gly265Val (NM_001391968.1); c.773G>T, p.Gly258Val (NM_001391969.1); short protein forms G344V, G307V, G322V, G308V, G329V, G258V, G265V, G280V.
Identifiers: ClinVar variation 92022 (VCV000092022.2), dbSNP rs386352378, ClinGen allele CA232368.

ClinVar aggregate classification (germline): Uncertain significance (0 of 4 stars; one submission).

Allele frequency attached by ClinVar (database versions not stated): ExAC 0.00012.

Submission:

Richard Lifton Laboratory, Yale University School of Medicine
Classification: Uncertain significance. Review status: no assertion criteria provided. Collection method: not provided. Allele origin: somatic.
Comment: VIT
ClinVar note: Converted during submission from unknown to Uncertain significance.